The following is an entry in ClinVar:

NC_000019.9:g.(?_11106879)_(11107230_?)del

Gene: SMARCA4 (SWI/SNF related BAF chromatin remodeling complex subunit ATPase 4; plus strand). Cytogenetic location: 19p13.2.
Variant type: Deletion.
Identifiers: ClinVar variation 1040015 (VCV001040015.7).

ClinVar aggregate classification (germline): Uncertain significance (1 of 4 stars; one submission).

Conditions:
Rhabdoid tumor predisposition syndrome 2 (RTPS2). Identifiers: Orphanet 231108, Orphanet 69077, MedGen C2750074, MONDO:0013224, OMIM 613325.

Submission:

Labcorp Genetics (formerly Invitae), Labcorp
Classification: Uncertain significance for Rhabdoid tumor predisposition syndrome 2. Last evaluated: 2020-10-23. Review status: criteria provided, single submitter. Criteria: Invitae Variant Classification Sherloc (09022015). Collection method: clinical testing. Allele origin: germline.
Comment: In summary, the available evidence is currently insufficient to determine the role of this variant in disease. Therefore, it has been classified as a Variant of Uncertain Significance. Experimental studies and prediction algorithms are not available or were not evaluated, and the functional significance of this variant is currently unknown. This variant has not been reported in the literature in individuals with SMARCA4-related conditions. This variant is a gross deletion of the genomic region encompassing exon(s) 10-11 of the SMARCA4 gene. This variant would be expected to be in-frame, preserving the integrity of the reading frame.